The following is an entry in ClinVar:

ClinVar aggregate classification (germline): Uncertain significance (1 of 4 stars; one submission).

Conditions:
Emery-Dreifuss muscular dystrophy 4, autosomal dominant (EDMD4). Also called: EMERY-DREIFUSS MUSCULAR DYSTROPHY 4 WITH VARIABLE FEATURES. Identifiers: Orphanet 261, MedGen C2751807, MONDO:0013071, OMIM 612998.
Autosomal recessive ataxia, Beauce type. Also called: ATAXIA, RECESSIVE, OF BEAUCE; SYNE1 Deficiency; Spinocerebellar ataxia, autosomal recessive 8; SYNE1-Related Autosomal Recessive Cerebellar Ataxia. Identifiers: Orphanet 88644, MedGen C1853116, MONDO:0012549, OMIM 610743.

Submission:

Labcorp Genetics (formerly Invitae), Labcorp
Classification: Uncertain significance for Emery-Dreifuss muscular dystrophy 4, autosomal dominant; Autosomal recessive ataxia, Beauce type. Last evaluated: 2022-11-08. Review status: criteria provided, single submitter. Criteria: Invitae Variant Classification Sherloc (09022015). Collection method: clinical testing. Allele origin: germline.
Comment: Experimental studies and prediction algorithms are not available or were not evaluated, and the functional significance of this variant is currently unknown. In summary, the available evidence is currently insufficient to determine the role of this variant in disease. Therefore, it has been classified as a Variant of Uncertain Significance. This variant has not been reported in the literature in individuals affected with SYNE1-related conditions. This variant results in a copy number gain of the genomic region encompassing exon(s) 96-97 of the SYNE1 gene. While the exact position of this variant cannot be determined from the data, sub-genic copy number gains are generally in tandem (PMID: 25640679). This variant is predicted to be in-frame, and likely preserves the integrity of the reading frame.

Literature cited by the submitters: PubMed 25640679.

NC_000006.11:g.(?_152599204)_(152603135_?)dup

Gene: SYNE1 (spectrin repeat containing nuclear envelope protein 1; minus strand). Cytogenetic location: 6q25.2.
Variant type: Duplication.
Identifiers: ClinVar variation 2427112 (VCV002427112.4).